The following is an entry in ClinVar:

ClinVar aggregate classification (germline): Likely pathogenic. Review status: criteria provided, single submitter (1 of 4 stars). 2 submissions from 2 submitters: Likely pathogenic (1). 1 of the submissions does not count toward it. Last evaluated 2024-09-16.

Conditions:
CDKL5 disorder. Identifiers: MedGen CN296942, MONDO:0100039.
Developmental and epileptic encephalopathy, 2 (DEE2). Also called: INFANTILE SPASM SYNDROME, X-LINKED 2; CDKL5 deficiency disorder. Identifiers: Orphanet 1934, Orphanet 3451, Orphanet 505652, MedGen C4750718, MONDO:0010396, OMIM 300672.

Submissions (2):

Centre for Population Genomics, CPG
Classification: Likely pathogenic for CDKL5 disorder. Last evaluated: 2024-09-16. Review status: criteria provided, single submitter. Criteria: McKnight et al. (Hum Mutat. 2022). Collection method: curation. Allele origin: germline. Inheritance: X-linked inheritance.
Comment: This variant has been collected from RettBASE and curated to current modified ACMG/AMP criteria. Based on the classification scheme defined by the ClinGen Rett/Angelman-like Expert Panel for Rett/AS-like Disorders Specifications to the ACMG/AMP Variant Interpretation Guidelines VCEP 3.0, this variant is classified as likely pathogenic. At least the following criteria are met: Predicted to result in loss of function, and LOF is a known mechanism of disease (PVS1). This variant is absent from gnomAD (PM2_Supporting). Has been observed in at least 1 individual with phenotypes consistent with CDKL5 disorder (PMID: 21318334).

RettBASE
Classification: Pathogenic for Epileptic encephalopathy, early infantile, 2. Last evaluated: 2014-03-13. Review status: no assertion criteria provided. Collection method: curation. Allele origin: unknown. Affected: yes. Observed: 1 variant allele. Not counted in ClinVar's aggregate classification.

Literature cited by the submitters: PubMed 21318334 (cited by RettBASE).

NM_001323289.2(CDKL5):c.2529del (p.Leu843fs)

Gene: CDKL5 (cyclin dependent kinase like 5; plus strand). Cytogenetic location: Xp22.13.
Variant type: Deletion.
Coding change: c.2529del on transcript NM_001323289.2 (MANE Select); coding-DNA position 2529, one base deleted (A; older notation c.2529delA).
Protein change: p.Leu843fs; shifts the reading frame from leucine 843.
Molecular consequence: frameshift variant.
Genome position (GRCh38, 1-based): chrX:18,628,403, A deleted. VCF-style (leftmost placement, unchanged base first): chrX-18628402-TA-T. GRCh37 (hg19) VCF-style: chrX-18646522-TA-T.
Other names: NM_001323289.2(CDKL5):c.2529del; p.Leu843fs; c.2529del, p.Leu843fs (NM_001037343.2, NM_003159.3); c.2529delA (NM_003159.2); short protein forms L843fs.
Identifiers: ClinVar variation 143806 (VCV000143806.4), dbSNP rs267608661, ClinGen allele CA170480.